The following is an entry in ClinVar:

NM_018013.4(SOBP):c.45G>C (p.Arg15=)

Gene: SOBP (sine oculis binding protein homolog; plus strand). Cytogenetic location: 6q21.
Variant type: single nucleotide variant.
Coding change: c.45G>C on transcript NM_018013.4 (MANE Select); coding-DNA position 45, G replaced by C.
Protein change: p.Arg15=; no amino-acid change (arginine 15 retained).
Molecular consequence: synonymous variant.
Genome position (GRCh38, 1-based): chr6:107,490,661, G>C. VCF-style: chr6-107490661-G-C. GRCh37 (hg19) VCF-style: chr6-107811865-G-C.
Identifiers: ClinVar variation 2656815 (VCV002656815.24), dbSNP rs2482731812, ClinGen allele CA451567930.

ClinVar aggregate classification (germline): Likely benign (1 of 4 stars; one submission).

Submission:

CeGaT Center for Human Genetics Tuebingen
Classification: Likely benign. Last evaluated: 2022-11-01. Review status: criteria provided, single submitter. Criteria: CeGaT Center For Human Genetics Tuebingen Variant Classification Criteria Version 2. Collection method: clinical testing. Allele origin: germline. Affected: yes. Observed: 1 variant allele.
Comment: SOBP: PM2:Supporting, BP4, BP7